The following is an entry in ClinVar:

ClinVar aggregate classification (germline): Uncertain significance (1 of 4 stars; one submission).

gnomAD v4.1: 3 of 1,614,062 alleles (0.00019%); highest among the groups gnomAD compares: Middle Eastern, 0.016%; no homozygotes.

Submission:

Labcorp Genetics (formerly Invitae), Labcorp
Classification: Uncertain significance. Last evaluated: 2025-03-27. Review status: criteria provided, single submitter. Criteria: Invitae Variant Classification Sherloc (09022015). Collection method: clinical testing. Allele origin: germline.
Comment: This sequence change replaces threonine, which is neutral and polar, with isoleucine, which is neutral and non-polar, at codon 2395 of the VCAN protein (p.Thr2395Ile). This variant is not present in population databases (gnomAD no frequency). This variant has not been reported in the literature in individuals affected with VCAN-related conditions. ClinVar contains an entry for this variant (Variation ID: 1918716). An algorithm developed to predict the effect of missense changes on protein structure and function outputs the following: PolyPhen-2: "Benign". The isoleucine amino acid residue is found in multiple mammalian species, which suggests that this missense change does not adversely affect protein function. In summary, the available evidence is currently insufficient to determine the role of this variant in disease. Therefore, it has been classified as a Variant of Uncertain Significance.

NM_004385.5(VCAN):c.7184C>T (p.Thr2395Ile)

Genes: VCAN (versican; plus strand), VCAN-AS1 (VCAN antisense RNA 1; minus strand). Cytogenetic location: 5q14.3.
Variant type: single nucleotide variant.
Coding change: c.7184C>T on transcript NM_004385.5 (MANE Select); coding-DNA position 7184, C replaced by T.
Protein change: p.Thr2395Ile; replaces threonine 2395 with isoleucine.
Molecular consequence: missense variant. On other transcripts: intron variant (2).
Genome position (GRCh38, 1-based): chr5:83,540,187, C>T. VCF-style: chr5-83540187-C-T. GRCh37 (hg19) VCF-style: chr5-82836006-C-T.
Other names: c.4223C>T, p.Thr1408Ile (NM_001164097.2); c.4004-5350C>T (NM_001164098.2); c.1043-5350C>T (NM_001126336.3); short protein forms T2395I, T1408I.
Identifiers: ClinVar variation 1918716 (VCV001918716.5), dbSNP rs1212010124, ClinGen allele CA360314196.
Genomic context (GRCh38, chr5:83,540,187, plus strand): 5'-AAACCATAACTGAACAAGACTCTAACAAGAATTCTTCAACAGCAGAAATTAACGAAACAA[C>T]AACCTCATCTACTGATTTTCTGGCTAGAGCTTATGGTTTTGAAATGGCCAAAGAATTTGT-3'
Protein context (NP_004376.2, residues 2385-2405): NSSTAEINET[Thr2395Ile]TSSTDFLARA